The following is an entry in ClinVar:

NM_001813.3(CENPE):c.1171A>T (p.Asn391Tyr)

Gene: CENPE (centromere protein E; minus strand). Cytogenetic location: 4q24.
Variant type: single nucleotide variant.
Coding change: c.1171A>T on transcript NM_001813.3 (MANE Select); coding-DNA position 1171, A replaced by T.
Protein change: p.Asn391Tyr; replaces asparagine 391 with tyrosine.
Molecular consequence: missense variant.
Genome position (GRCh38, 1-based): chr4:103,180,382, T>A on the plus strand (A>T on the coding strand, the complement: CENPE is on the minus strand). VCF-style: chr4-103180382-T-A. GRCh37 (hg19) VCF-style: chr4-104101539-T-A.
Other names: NC_000004.11:g.104101539T>A; c.1171A>T, p.Asn391Tyr (NM_001286734.2); short protein forms N391Y.
Identifiers: ClinVar variation 745710 (VCV000745710.6), dbSNP rs115442639, ClinGen allele CA3030580.

ClinVar aggregate classification (germline): Likely benign. Review status: criteria provided, single submitter (1 of 4 stars). 2 submissions from 2 submitters: Likely benign (1). 1 of the submissions does not count toward it. Last evaluated 2018-05-16.

Conditions:
CENPE-related disorder. Also called: CENPE-related condition.

Allele frequency attached by ClinVar (database versions not stated): 1000 Genomes Project 30x 0.00109; gnomAD 0.00004 and 0.00015; 1000 Genomes Project 0.00140; TOPMed 0.00005; gnomAD exomes 0.00023; ExAC 0.00035.

Submissions (3):

Labcorp Genetics (formerly Invitae), Labcorp
Classification: Likely benign. Last evaluated: 2018-05-16. Review status: criteria provided, single submitter. Criteria: Invitae Variant Classification Sherloc (09022015). Collection method: clinical testing. Allele origin: germline.

PreventionGenetics, part of Exact Sciences
Classification: Likely benign for CENPE-related condition. Last evaluated: 2022-03-31. Review status: no assertion criteria provided. Collection method: clinical testing. Allele origin: germline. Not counted in ClinVar's aggregate classification.
Comment: This variant is classified as likely benign based on ACMG/AMP sequence variant interpretation guidelines (Richards et al. 2015 PMID: 25741868, with internal and published modifications).

Dr. Peter K. Rogan Lab, Western University
No classification provided (evidence only). Condition: Hepatocellular carcinoma. Review status: no classification provided. Collection method: in vitro. Allele origin: not applicable. Functional consequence: retained intron. Not counted in ClinVar's aggregate classification.